The following is an entry in ClinVar:

NM_000214.3(JAG1):c.2968A>T (p.Lys990Ter)

Gene: JAG1 (jagged canonical Notch ligand 1; minus strand). Cytogenetic location: 20p12.2.
Variant type: single nucleotide variant.
Coding change: c.2968A>T on transcript NM_000214.3 (MANE Select); coding-DNA position 2968, A replaced by T.
Protein change: p.Lys990Ter; replaces lysine 990 with a stop codon.
Molecular consequence: nonsense.
Genome position (GRCh38, 1-based): chr20:10,641,193, T>A on the plus strand (A>T on the coding strand, the complement: JAG1 is on the minus strand). VCF-style: chr20-10641193-T-A. GRCh37 (hg19) VCF-style: chr20-10621841-T-A.
Other names: c.2968A>T, p.Lys990Ter (LRG_1191t1); short protein forms K990*.
Identifiers: ClinVar variation 234724 (VCV000234724.2), dbSNP rs876661182, ClinGen allele CA10577613.

ClinVar aggregate classification (germline): Pathogenic (1 of 4 stars; one submission).

Submission:

GeneDx
Classification: Pathogenic. Last evaluated: 2016-01-13. Review status: criteria provided, single submitter. Criteria: GeneDx Variant Classification (06012015). Collection method: clinical testing. Allele origin: germline. Affected: yes.
Comment: The K990X nonsense variant in the JAG1 gene is predicted to cause loss of normal protein function either through protein truncation or nonsense-mediated mRNA decay. The K990X variant was not observed in approximately 6,500 individuals of European and African American ancestry in the NHLBI Exome Sequencing Project, indicating it is not a common benign variant in these populations. Although this pathogenic variant has not been reported previously to our knowledge, its presence is consistent with a diagnosis of Alagille syndrome.